The following is an entry in ClinVar:

NM_015570.4(AUTS2):c.28C>G (p.Leu10Val)

Gene: AUTS2 (activator of transcription and developmental regulator AUTS2; plus strand). Cytogenetic location: 7q11.22.
Variant type: single nucleotide variant.
Coding change: c.28C>G on transcript NM_015570.4 (MANE Select); coding-DNA position 28, C replaced by G.
Protein change: p.Leu10Val; replaces leucine 10 with valine.
Molecular consequence: missense variant.
Genome position (GRCh38, 1-based): chr7:69,599,681, C>G. VCF-style: chr7-69599681-C-G. GRCh37 (hg19) VCF-style: chr7-69064667-C-G.
Other names: c.28C>G, p.Leu10Val (NM_001127231.3, NM_001127232.3); short protein forms L10V.
Identifiers: ClinVar variation 1212096 (VCV001212096.3), dbSNP rs1792260350, ClinGen allele CA367702716.

ClinVar aggregate classification (germline): Uncertain significance (1 of 4 stars; one submission).

Submission:

GeneDx
Classification: Uncertain significance. Last evaluated: 2021-01-08. Review status: criteria provided, single submitter. Criteria: GeneDx Variant Classification Process June 2021. Collection method: clinical testing. Allele origin: germline. Affected: yes.
Comment: Has not been previously published as pathogenic or benign to our knowledge; Not observed in large population cohorts (Lek et al., 2016); In silico analysis supports that this missense variant does not alter protein structure/function